The following is an entry in ClinVar:

ClinVar aggregate classification (germline): Uncertain significance (1 of 4 stars; one submission).

Conditions:
Congenital sensory neuropathy with selective loss of small myelinated fibers (HSAN5). Also called: HSAN Type V. Identifiers: Orphanet 64752, MedGen C0020075, MONDO:0012092, OMIM 608654.

Submission:

Labcorp Genetics (formerly Invitae), Labcorp
Classification: Uncertain significance for Congenital sensory neuropathy with selective loss of small myelinated fibers. Last evaluated: 2020-02-15. Review status: criteria provided, single submitter. Criteria: Invitae Variant Classification Sherloc (09022015). Collection method: clinical testing. Allele origin: germline.
Comment: This sequence change replaces alanine with serine at codon 18 of the NGF protein (p.Ala18Ser). The alanine residue is highly conserved and there is a moderate physicochemical difference between alanine and serine. This variant has not been reported in the literature in individuals with NGF-related conditions. Algorithms developed to predict the effect of missense changes on protein structure and function (SIFT, PolyPhen-2, Align-GVGD) all suggest that this variant is likely to be disruptive, but these predictions have not been confirmed by published functional studies and their clinical significance is uncertain. In summary, the available evidence is currently insufficient to determine the role of this variant in disease. Therefore, it has been classified as a Variant of Uncertain Significance. This variant is not present in population databases (ExAC no frequency).

NM_002506.3(NGF):c.52G>T (p.Ala18Ser)

Genes: NGF-AS1 (NGF antisense RNA 1; plus strand), NGF (nerve growth factor; minus strand). Cytogenetic location: 1p13.2.
Variant type: single nucleotide variant.
Coding change: c.52G>T on transcript NM_002506.3 (MANE Select); coding-DNA position 52, G replaced by T.
Protein change: p.Ala18Ser; replaces alanine 18 with serine.
Molecular consequence: missense variant.
Genome position (GRCh38, 1-based): chr1:115,286,744, C>A on the plus strand (G>T on the coding strand, the complement: NGF is on the minus strand). VCF-style: chr1-115286744-C-A. GRCh37 (hg19) VCF-style: chr1-115829365-C-A.
Other names: short protein forms A18S.
Identifiers: ClinVar variation 936678 (VCV000936678.9), dbSNP rs1653523153, ClinGen allele CA341837339.